The following is an entry in ClinVar:

ClinVar aggregate classification (germline): Uncertain significance. Review status: criteria provided, multiple submitters, no conflicts (2 of 4 stars). 2 submissions from 2 submitters: Uncertain significance (2). Last evaluated 2024-09-18.

Conditions:
Gastrointestinal stromal tumor. Also called: Gastrointestinal stroma tumor; Gastrointestinal stromal tumor, somatic. Identifiers: Orphanet 44890, MedGen C0238198, MeSH D046152, MONDO:0011719, OMIM 606764, HP:0100723.
Hereditary cancer-predisposing syndrome. Also called: Hereditary neoplastic syndrome; Tumor predisposition; Hereditary Cancer Syndrome; Neoplastic Syndromes, Hereditary. Identifiers: Orphanet 140162, MedGen C0027672, MeSH D009386, MONDO:0015356.

Submissions (2):

Ambry Genetics
Classification: Uncertain significance for Hereditary cancer-predisposing syndrome. Last evaluated: 2024-09-18. Review status: criteria provided, single submitter. Criteria: Ambry Variant Classification Scheme 2023. Collection method: clinical testing. Allele origin: germline.
Comment: The p.T496S variant (also known as c.1486A>T), located in coding exon 9 of the PDGFRA gene, results from an A to T substitution at nucleotide position 1486. The threonine at codon 496 is replaced by serine, an amino acid with similar properties. This amino acid position is conserved. In addition, the in silico prediction for this alteration is inconclusive. Based on the available evidence, the clinical significance of this variant remains unclear.

Labcorp Genetics (formerly Invitae), Labcorp
Classification: Uncertain significance for Gastrointestinal stromal tumor. Last evaluated: 2024-08-01. Review status: criteria provided, single submitter. Criteria: Invitae Variant Classification Sherloc (09022015). Collection method: clinical testing. Allele origin: germline.
Comment: This sequence change replaces threonine, which is neutral and polar, with serine, which is neutral and polar, at codon 496 of the PDGFRA protein (p.Thr496Ser). This variant is not present in population databases (gnomAD no frequency). This variant has not been reported in the literature in individuals affected with PDGFRA-related conditions. ClinVar contains an entry for this variant (Variation ID: 1448917). Advanced modeling of protein sequence and biophysical properties (such as structural, functional, and spatial information, amino acid conservation, physicochemical variation, residue mobility, and thermodynamic stability) performed at Invitae indicates that this missense variant is not expected to disrupt PDGFRA protein function with a negative predictive value of 80%. In summary, the available evidence is currently insufficient to determine the role of this variant in disease. Therefore, it has been classified as a Variant of Uncertain Significance.

NM_006206.6(PDGFRA):c.1486A>T (p.Thr496Ser)

Gene: PDGFRA (platelet derived growth factor receptor alpha; plus strand). Cytogenetic location: 4q12.
Variant type: single nucleotide variant.
Coding change: c.1486A>T on transcript NM_006206.6 (MANE Select); coding-DNA position 1486, A replaced by T.
Protein change: p.Thr496Ser; replaces threonine 496 with serine.
Molecular consequence: missense variant.
Genome position (GRCh38, 1-based): chr4:54,273,658, A>T. VCF-style: chr4-54273658-A-T. GRCh37 (hg19) VCF-style: chr4-55139825-A-T.
Other names: c.1486A>T, p.Thr496Ser (NM_001347827.2, NM_001347829.2); c.1561A>T, p.Thr521Ser (NM_001347828.2); c.1525A>T, p.Thr509Ser (NM_001347830.2); c.1486A>T (NM_006206.4); short protein forms T509S, T496S, T521S.
Identifiers: ClinVar variation 1448917 (VCV001448917.16), dbSNP rs778784351, ClinGen allele CA356892666.